The following is an entry in ClinVar:

ClinVar aggregate classification (germline): Likely pathogenic (1 of 4 stars; one submission).

Conditions:
SPTB-related disorder. Also called: SPTB-related condition; SPTB-Related Disorders.

Submission:

PreventionGenetics, part of Exact Sciences
Classification: Likely pathogenic for SPTB-related condition. Last evaluated: 2025-10-22. Review status: criteria provided, single submitter. Criteria: ACMG Guidelines, 2015. Collection method: clinical testing. Allele origin: germline.
Comment: The SPTB c.2822_2834del13 variant is predicted to result in a frameshift and premature protein termination (p.Thr941Serfs*17). To our knowledge, this variant has not been reported in the literature or in a large population database (gnomAD), indicating this variant is rare. Frameshift variants in SPTB are expected to be pathogenic. This variant is interpreted as likely pathogenic.

NM_001355436.2(SPTB):c.2822_2834del (p.Thr941fs)

Gene: SPTB (spectrin beta, erythrocytic; minus strand). Cytogenetic location: 14q23.3.
Variant type: Deletion.
Coding change: c.2822_2834del on transcript NM_001355436.2 (MANE Select); coding-DNA positions 2822 to 2834, 13 bases deleted (CCCTGGTGTCGGA).
Protein change: p.Thr941fs; shifts the reading frame from threonine 941.
Molecular consequence: frameshift variant.
Genome position (GRCh38, 1-based): chr14:64,787,131-64,787,143, TCCGACACCAGGG deleted on the plus strand (CCCTGGTGTCGGA on the coding strand, the reverse complement: SPTB is on the minus strand); deleting any 13 consecutive bases within chr14:64,787,131-64,787,145 gives the same sequence; the c. name uses the placement nearest the transcript's 3' end. VCF-style (leftmost placement, unchanged base first): chr14-64787130-CTCCGACACCAGGG-C. GRCh37 (hg19) VCF-style: chr14-65253848-CTCCGACACCAGGG-C.
Other names: c.2822_2834del, p.Thr941fs (NM_001024858.4, NM_001355437.2); short protein forms T941fs.
Identifiers: ClinVar variation 4993722 (VCV004993722.1).